The following is an entry in ClinVar:

NM_006904.7(PRKDC):c.10291G>T (p.Ala3431Ser)

Gene: PRKDC (protein kinase, DNA-activated, catalytic subunit; minus strand). Cytogenetic location: 8q11.21.
Variant type: single nucleotide variant.
Coding change: c.10291G>T on transcript NM_006904.7 (MANE Select); coding-DNA position 10291, G replaced by T.
Protein change: p.Ala3431Ser; replaces alanine 3431 with serine.
Molecular consequence: missense variant.
Genome position (GRCh38, 1-based): chr8:47,799,216, C>A on the plus strand (G>T on the coding strand, the complement: PRKDC is on the minus strand). VCF-style: chr8-47799216-C-A. GRCh37 (hg19) VCF-style: chr8-48711777-C-A.
Other names: c.10291G>T, p.Ala3431Ser (NM_001081640.2); short protein forms A3431S.
Identifiers: ClinVar variation 935735 (VCV000935735.3), dbSNP rs150904393, ClinGen allele CA4739358.

ClinVar aggregate classification (germline): Uncertain significance (1 of 4 stars; one submission).

Conditions:
Severe combined immunodeficiency due to DNA-PKcs deficiency. Also called: IMMUNODEFICIENCY 26 WITH NEUROLOGIC ABNORMALITIES; Immunodeficiency 26 with or without neurologic abnormalities. Identifiers: Orphanet 317425, MedGen C4014833, MONDO:0014423, OMIM 615966.

Allele frequency attached by ClinVar (database versions not stated): TOPMed 0.00002; gnomAD 0.00003 and 0.00010; gnomAD exomes 0.00011; ExAC 0.00017; 1000 Genomes Project 0.00060; 1000 Genomes Project 30x 0.00062.

Submission:

Labcorp Genetics (formerly Invitae), Labcorp
Classification: Uncertain significance for Severe combined immunodeficiency due to DNA-PKcs deficiency. Last evaluated: 2024-02-24. Review status: criteria provided, single submitter. Criteria: Invitae Variant Classification Sherloc (09022015). Collection method: clinical testing. Allele origin: germline.
Comment: This sequence change replaces alanine, which is neutral and non-polar, with serine, which is neutral and polar, at codon 3431 of the PRKDC protein (p.Ala3431Ser). This variant is present in population databases (rs150904393, gnomAD 0.1%). This variant has not been reported in the literature in individuals affected with PRKDC-related conditions. ClinVar contains an entry for this variant (Variation ID: 935735). Advanced modeling of protein sequence and biophysical properties (such as structural, functional, and spatial information, amino acid conservation, physicochemical variation, residue mobility, and thermodynamic stability) performed at Invitae indicates that this missense variant is not expected to disrupt PRKDC protein function with a negative predictive value of 80%. In summary, the available evidence is currently insufficient to determine the role of this variant in disease. Therefore, it has been classified as a Variant of Uncertain Significance.